The following is an entry in ClinVar:

ClinVar aggregate classification (germline): Pathogenic/Likely pathogenic. Review status: criteria provided, multiple submitters, no conflicts (2 of 4 stars). 6 submissions from 6 submitters: Pathogenic (2); Likely pathogenic (2). 2 of the submissions do not count toward it. Last evaluated 2026-06-21.

Conditions:
Neurofibromatosis, type 1 (NF1). Also called: Neurofibromatosis, type I; NEUROFIBROMATOSIS, TYPE I, SOMATIC; Peripheral type neurofibromatosis; VON RECKLINGHAUSEN DISEASE. Identifiers: Orphanet 636, MedGen C0027831, MONDO:0018975, OMIM 162200. Disease mechanism: loss of function.

Submissions (6):

GeneDx
Classification: Pathogenic. Last evaluated: 2026-06-21. Review status: criteria provided, single submitter. Criteria: GeneDx Variant Classification Process June 2021. Collection method: clinical testing. Allele origin: germline.
Comment: Not observed at significant frequency in large population cohorts (gnomAD); In silico analysis supports that this missense variant has a deleterious effect on protein structure/function; This variant is associated with the following publications: (PMID: 16542390, 24803665, 24789688, 9042399, 31487937, 30843352, 25486365, 2121369, 31766501, 8807336, 40133996)

St. Jude Molecular Pathology, St. Jude Children's Research Hospital
Classification: Likely pathogenic for Neurofibromatosis, type 1. Last evaluated: 2024-07-20. Review status: criteria provided, single submitter. Criteria: St. Jude Assertion Criteria 2020. Collection method: clinical testing. Allele origin: germline. Affected: yes.
Comment: The NF1 c.3104T>G (p.Met1035Arg) missense change is absent in gnomAD v2.1.1. The in silico tool REVEL predicts a deleterious effect on protein function, but to our knowledge this prediction has not been confirmed by functional studies. This variant has been reported in individuals with neurofibromatosis type 1 and LEOPARD syndrome, suggesting that the phenotype associated with this variant may be broader than traditional NF1 (PMID: 8807336; 31766501). ?In summary, this variant meets criteria to be classified as likely pathogenic.?

Genomic Medicine Center of Excellence, King Faisal Specialist Hospital and Research Centre
Classification: Likely pathogenic for Neurofibromatosis, type 1. Last evaluated: 2024-03-26. Review status: criteria provided, single submitter. Criteria: ACMG Guidelines, 2015. Collection method: clinical testing. Allele origin: germline.

Labcorp Genetics (formerly Invitae), Labcorp
Classification: Pathogenic for Neurofibromatosis, type 1. Last evaluated: 2022-09-27. Review status: criteria provided, single submitter. Criteria: Invitae Variant Classification Sherloc (09022015). Collection method: clinical testing. Allele origin: germline.
Comment: This sequence change replaces methionine, which is neutral and non-polar, with arginine, which is basic and polar, at codon 1035 of the NF1 protein (p.Met1035Arg). This variant is not present in population databases (gnomAD no frequency). This missense change has been observed in individuals with neurofibromatosis type I (NF1), Neurofibromatosis-Noonan syndrome (NFNS), and/or Noonan syndrome with multiple lentigines (LEOPARD syndrome) (PMID: 8807336; Invitae). ClinVar contains an entry for this variant (Variation ID: 347). Advanced modeling of protein sequence and biophysical properties (such as structural, functional, and spatial information, amino acid conservation, physicochemical variation, residue mobility, and thermodynamic stability) performed at Invitae indicates that this missense variant is expected to disrupt NF1 protein function. This variant disrupts the p.Met1035 amino acid residue in NF1. Other variant(s) that disrupt this residue have been determined to be pathogenic (PMID: 9042399, 24789688; Invitae). This suggests that this residue is clinically significant, and that variants that disrupt this residue are likely to be disease-causing. For these reasons, this variant has been classified as Pathogenic.

OMIM
Classification: Pathogenic for NEUROFIBROMATOSIS, TYPE I. Last evaluated: 1996-01-01. Review status: no assertion criteria provided. Collection method: literature only. Allele origin: germline. Not counted in ClinVar's aggregate classification.

Molecular Pathology, Peter Maccallum Cancer Centre
Classification: Uncertain significance for Neurofibromatosis, type 1. Last evaluated: 2025-02-20. Review status: flagged submission. Criteria: ACMG Guidelines, 2015. Collection method: clinical testing. Allele origin: germline. Inheritance: Autosomal dominant inheritance. Not counted in ClinVar's aggregate classification.
ClinVar note: Reason: Outlier claim with insufficient supporting evidence

Literature cited by the submitters: PubMed 8807336 (cited by Labcorp Genetics (formerly Invitae), Labcorp and OMIM); PubMed 9042399 (cited by Labcorp Genetics (formerly Invitae), Labcorp); PubMed 24789688 (cited by Labcorp Genetics (formerly Invitae), Labcorp).

NM_001042492.3(NF1):c.3104T>G (p.Met1035Arg)

Gene: NF1 (neurofibromin 1; plus strand). Cytogenetic location: 17q11.2.
Variant type: single nucleotide variant.
Coding change: c.3104T>G on transcript NM_001042492.3 (MANE Select); coding-DNA position 3104, T replaced by G.
Protein change: p.Met1035Arg; replaces methionine 1035 with arginine.
Molecular consequence: missense variant.
Genome position (GRCh38, 1-based): chr17:31,230,373, T>G. VCF-style: chr17-31230373-T-G. GRCh37 (hg19) VCF-style: chr17-29557391-T-G.
Other names: c.3104T>G, p.Met1035Arg (NM_000267.4); short protein forms M1035R.
Identifiers: ClinVar variation 347 (VCV000000347.13), dbSNP rs137854553, ClinGen allele CA251455.